The following is an entry in ClinVar:

ClinVar aggregate classification (germline): Uncertain significance. Review status: criteria provided, multiple submitters, no conflicts (2 of 4 stars). 4 submissions from 4 submitters: Uncertain significance (4). Last evaluated 2025-11-21.

Allele frequency attached by ClinVar (database versions not stated): gnomAD exomes 0.00004 and 0.00012; ExAC 0.00022; gnomAD 0.00044 and 0.00045; TOPMed 0.00053; ESP Exome Variant Server 0.00054; 1000 Genomes Project 0.00080; 1000 Genomes Project 30x 0.00094.

Submissions (4):

Labcorp Genetics (formerly Invitae), Labcorp
Classification: Uncertain significance. Last evaluated: 2025-11-21. Review status: criteria provided, single submitter. Criteria: Invitae Variant Classification Sherloc (09022015). Collection method: clinical testing. Allele origin: germline.
Comment: This sequence change replaces asparagine, which is neutral and polar, with threonine, which is neutral and polar, at codon 655 of the ARHGEF1 protein (p.Asn655Thr). This variant is present in population databases (rs147783681, gnomAD 0.1%), and has an allele count higher than expected for a pathogenic variant. This variant has not been reported in the literature in individuals affected with ARHGEF1-related conditions. ClinVar contains an entry for this variant (Variation ID: 1385154). An algorithm developed to predict the effect of missense changes on protein structure and function (PolyPhen-2) suggests that this variant is likely to be tolerated. In summary, the available evidence is currently insufficient to determine the role of this variant in disease. Therefore, it has been classified as a Variant of Uncertain Significance.

Ambry Genetics
Classification: Uncertain significance. Last evaluated: 2024-07-09. Review status: criteria provided, single submitter. Criteria: Ambry Variant Classification Scheme 2023. Collection method: clinical testing. Allele origin: germline.

Blueprint Genetics
Classification: Uncertain significance. Last evaluated: 2024-03-19. Review status: criteria provided, single submitter. Criteria: ACMG Guidelines, 2015. Collection method: clinical testing. Allele origin: germline.

Breakthrough Genomics
Classification: Uncertain significance. Review status: criteria provided, single submitter. Criteria: ACMG Guidelines, 2015. Collection method: not provided. Allele origin: germline. Inheritance: Autosomal dominant inheritance. Affected: yes.

NM_004706.4(ARHGEF1):c.1919A>C (p.Asn640Thr)

Gene: ARHGEF1 (Rho guanine nucleotide exchange factor 1; plus strand). Cytogenetic location: 19q13.2.
Variant type: single nucleotide variant.
Coding change: c.1919A>C on transcript NM_004706.4 (MANE Select); coding-DNA position 1919, A replaced by C.
Protein change: p.Asn640Thr; replaces asparagine 640 with threonine.
Molecular consequence: missense variant.
Genome position (GRCh38, 1-based): chr19:41,904,036, A>C. VCF-style: chr19-41904036-A-C. GRCh37 (hg19) VCF-style: chr19-42408188-A-C.
Other names: c.1820A>C, p.Asn607Thr (NM_198977.2); c.1964A>C, p.Asn655Thr (NM_199002.2); c.1964A>C (NM_199002.1); short protein forms N640T, N655T, N607T.
Identifiers: ClinVar variation 1385154 (VCV001385154.11), dbSNP rs147783681, ClinGen allele CA9466542.